The following is an entry in ClinVar:

NM_004168.4(SDHA):c.1552-2A>C

Gene: SDHA (succinate dehydrogenase complex flavoprotein subunit A; plus strand). Cytogenetic location: 5p15.33.
Variant type: single nucleotide variant.
Coding change: c.1552-2A>C on transcript NM_004168.4 (MANE Select); the canonical splice acceptor site of the intron before coding-DNA position 1552, A replaced by C.
Molecular consequence: splice acceptor variant. On other transcripts: intron variant (1).
Genome position (GRCh38, 1-based): chr5:250,990, A>C. VCF-style: chr5-250990-A-C. GRCh37 (hg19) VCF-style: chr5-251105-A-C.
Other names: c.1552-3403A>C (NM_001330758.2); c.1408-2A>C (NM_001294332.2).
Identifiers: ClinVar variation 4876046 (VCV004876046.1).

ClinVar aggregate classification (germline): Likely pathogenic (1 of 4 stars; one submission).

Conditions:
Pheochromocytoma/paraganglioma syndrome 5. Also called: Paragangliomas 5; SDHA-Related Hereditary Paraganglioma-Pheochromocytoma Syndrome. Identifiers: Orphanet 29072, MedGen C3279992, MONDO:0013602, OMIM 614165.

Submission:

Myriad Genetics, Inc.
Classification: Likely pathogenic for Pheochromocytoma/paraganglioma syndrome 5. Last evaluated: 2026-05-13. Review status: criteria provided, single submitter. Criteria: Myriad Autosomal Dominant, Autosomal Recessive and X-Linked Classification Criteria (2023). Collection method: clinical testing. Allele origin: unknown.
Comment: This variant is considered likely pathogenic. This variant occurs within a consensus splice junction and is predicted to result in abnormal mRNA splicing of either an out-of-frame exon or an in-frame exon necessary for protein stability and/or normal function.